The following is an entry in ClinVar:

NM_001111.5(ADAR):c.328C>T (p.His110Tyr)

Gene: ADAR (adenosine deaminase RNA specific; minus strand). Cytogenetic location: 1q21.3.
Variant type: single nucleotide variant.
Coding change: c.328C>T on transcript NM_001111.5 (MANE Select); coding-DNA position 328, C replaced by T.
Protein change: p.His110Tyr; replaces histidine 110 with tyrosine.
Molecular consequence: missense variant. On other transcripts: 5 prime UTR variant (3), intron variant (3).
Genome position (GRCh38, 1-based): chr1:154,602,314, G>A on the plus strand (C>T on the coding strand, the complement: ADAR is on the minus strand). VCF-style: chr1-154602314-G-A. GRCh37 (hg19) VCF-style: chr1-154574790-G-A.
Other names: c.-558C>T (NM_001025107.3, NM_001193495.2, NM_001365048.1); c.355C>T, p.His119Tyr (NM_001365045.1); c.328C>T, p.His110Tyr (NM_015840.4, NM_015841.4); c.-492-66C>T (NM_001365046.1, NM_001365049.1, NM_001365047.1); short protein forms H110Y, H119Y.
Identifiers: ClinVar variation 2329986 (VCV002329986.5), dbSNP rs2526668015, ClinGen allele CA342604257.

ClinVar aggregate classification (germline): Uncertain significance. Review status: criteria provided, multiple submitters, no conflicts (2 of 4 stars). 2 submissions from 2 submitters: Uncertain significance (2). Last evaluated 2024-05-23.

Conditions:
Inborn genetic diseases. Identifiers: MedGen C0950123, MeSH D030342.
Symmetrical dyschromatosis of extremities (DSH). Also called: DYSCHROMATOSIS SYMMETRICA HEREDITARIA 1; RETICULATE ACROPIGMENTATION OF DOHI; SYMMETRIC DYSCHROMATOSIS OF THE EXTREMITIES; Dyschromatosis symmetrica hereditaria. Identifiers: Orphanet 41, MedGen C0406775, MONDO:0007483, OMIM 127400.
Aicardi-Goutieres syndrome 6 (AGS6). Identifiers: Orphanet 51, MedGen C3539013, MONDO:0014007, OMIM 615010.

Allele frequency attached by ClinVar (database versions not stated): gnomAD exomes below 0.00001.

Submissions (2):

Labcorp Genetics (formerly Invitae), Labcorp
Classification: Uncertain significance for Aicardi-Goutieres syndrome 6; Symmetrical dyschromatosis of extremities. Last evaluated: 2024-05-23. Review status: criteria provided, single submitter. Criteria: Invitae Variant Classification Sherloc (09022015). Collection method: clinical testing. Allele origin: germline.
Comment: This sequence change replaces histidine, which is basic and polar, with tyrosine, which is neutral and polar, at codon 110 of the ADAR protein (p.His110Tyr). This variant is not present in population databases (gnomAD no frequency). This variant has not been reported in the literature in individuals affected with ADAR-related conditions. ClinVar contains an entry for this variant (Variation ID: 2329986). An algorithm developed to predict the effect of missense changes on protein structure and function (PolyPhen-2) suggests that this variant is likely to be tolerated. In summary, the available evidence is currently insufficient to determine the role of this variant in disease. Therefore, it has been classified as a Variant of Uncertain Significance.

Ambry Genetics
Classification: Uncertain significance for Inborn genetic diseases. Last evaluated: 2022-11-30. Review status: criteria provided, single submitter. Criteria: Ambry Variant Classification Scheme 2023. Collection method: clinical testing. Allele origin: germline.